The following is an entry in ClinVar:

ClinVar aggregate classification (germline): Uncertain significance (1 of 4 stars; one submission).

Submission:

Labcorp Genetics (formerly Invitae), Labcorp
Classification: Uncertain significance. Last evaluated: 2024-03-13. Review status: criteria provided, single submitter. Criteria: Invitae Variant Classification Sherloc (09022015). Collection method: clinical testing. Allele origin: germline.
Comment: This sequence change replaces tryptophan, which is neutral and slightly polar, with arginine, which is basic and polar, at codon 52 of the FOCAD protein (p.Trp52Arg). This variant is not present in population databases (gnomAD no frequency). This variant has not been reported in the literature in individuals affected with FOCAD-related conditions. Experimental studies and prediction algorithms are not available or were not evaluated, and the functional significance of this variant is currently unknown. In summary, the available evidence is currently insufficient to determine the role of this variant in disease. Therefore, it has been classified as a Variant of Uncertain Significance.

NM_001375567.1(FOCAD):c.154T>C (p.Trp52Arg)

Gene: FOCAD (focadhesin; plus strand). Cytogenetic location: 9p21.3.
Variant type: single nucleotide variant.
Coding change: c.154T>C on transcript NM_001375567.1 (MANE Select); coding-DNA position 154, T replaced by C.
Protein change: p.Trp52Arg; replaces tryptophan 52 with arginine.
Molecular consequence: missense variant.
Genome position (GRCh38, 1-based): chr9:20,720,401, T>C. VCF-style: chr9-20720401-T-C. GRCh37 (hg19) VCF-style: chr9-20720400-T-C.
Other names: c.154T>C, p.Trp52Arg (NM_001375568.1, NM_001375570.1, NM_017794.5); short protein forms W52R.
Identifiers: ClinVar variation 3645720 (VCV003645720.2).